The following is an entry in ClinVar:

NM_138711.6(PPARG):c.145G>A (p.Glu49Lys)

Gene: PPARG (peroxisome proliferator activated receptor gamma; plus strand). Cytogenetic location: 3p25.2.
Variant type: single nucleotide variant.
Coding change: c.145G>A on transcript NM_138711.6 (MANE Select); coding-DNA position 145, G replaced by A.
Protein change: p.Glu49Lys; replaces glutamic acid 49 with lysine.
Molecular consequence: missense variant. On other transcripts: 5 prime UTR variant (1).
Genome position (GRCh38, 1-based): chr3:12,379,856, G>A. VCF-style: chr3-12379856-G-A. GRCh37 (hg19) VCF-style: chr3-12421355-G-A.
Other names: c.145G>A, p.Glu49Lys (NM_001330615.4, NM_001354666.3, NM_001354667.3 and 6 more transcripts); c.235G>A, p.Glu79Lys (NM_001354668.2, NM_001374265.1, NM_015869.5); c.-283G>A (NM_001354669.2); c.151G>A, p.Glu51Lys (NM_001354670.2, NM_001374266.1); short protein forms E51K, E79K, E49K.
Identifiers: ClinVar variation 436395 (VCV000436395.11), dbSNP rs777334819, ClinGen allele CA2258106.

ClinVar aggregate classification (germline): Conflicting classifications of pathogenicity. Review status: criteria provided, conflicting classifications (1 of 4 stars). 6 submissions from 4 submitters: Uncertain significance (5); Likely benign (1). Last evaluated 2026-09-15.

Conditions:
PPARG-related disorder. Also called: PPARG-related disorders; PPARG-related condition.
Obesity. Also called: Obesity disorder. Identifiers: Orphanet 71529, MedGen C0028754, MeSH D009765, MONDO:0011122, HP:0001513.
PPARG-related familial partial lipodystrophy. Also called: LIPODYSTROPHY, FAMILIAL PARTIAL, ASSOCIATED WITH PPARG MUTATIONS. Identifiers: Orphanet 79083, MedGen C1720861, MONDO:0011448, OMIM 604367.
INSULIN RESISTANCE, DIGENIC. Identifiers: MedGen C4016738.

Allele frequency attached by ClinVar (database versions not stated): gnomAD 0.00002; TOPMed 0.00002; ExAC 0.00004; gnomAD exomes 0.00004 and 0.00007.
gnomAD v4.1: 97 of 1,613,718 alleles (0.006%); highest among the groups gnomAD compares: Non-Finnish European, 0.0081%; no homozygotes.

Submissions (6):

PreventionGenetics, part of Exact Sciences
Classification: Uncertain significance for PPARG-related condition. Last evaluated: 2026-09-15. Review status: criteria provided, single submitter. Criteria: ACMG Guidelines, 2015. Collection method: clinical testing. Allele origin: germline.
Comment: The PPARG c.235G>A variant is predicted to result in the amino acid substitution p.Glu79Lys. This variant has been reported in individuals with type 2 diabetes (Majithia et al. 2014. PubMed ID: 25157153) and individuals undergoing multigene dyslipidemia and metabolic panel testing (Dron et al. 2020. PubMed ID: 32041611, Tables S3 and S4); however, no evidence was provided to support its pathogenicity. This variant is reported in 0.0070% of alleles in individuals of European (Non-Finnish) descent in gnomAD. At this time, the clinical significance of this variant is uncertain due to the absence of conclusive functional and genetic evidence.

GeneDx
Classification: Uncertain significance. Last evaluated: 2025-07-11. Review status: criteria provided, single submitter. Criteria: GeneDx Variant Classification Process June 2021. Collection method: clinical testing. Allele origin: germline. Affected: yes.
Comment: Identified in patients with dyslipidemia in the published literature (PMID: 32041611, 36325899); In silico analysis suggests that this missense variant does not alter protein structure/function; This variant is associated with the following publications: (PMID: 32041611, 36325899)

Illumina Laboratory Services, Illumina
Classification: Uncertain significance for Diabetes Mellitus, Noninsulin-Dependent, with Acanthosis Nigricans and Hypertension. Last evaluated: 2018-01-13. Review status: criteria provided, single submitter. Criteria: ICSL Variant Classification Criteria 13 December 2019. Collection method: clinical testing. Allele origin: germline.

Illumina Laboratory Services, Illumina
Classification: Uncertain significance for PPARG-related familial partial lipodystrophy. Last evaluated: 2018-01-13. Review status: criteria provided, single submitter. Criteria: ICSL Variant Classification Criteria 13 December 2019. Collection method: clinical testing. Allele origin: germline.

Illumina Laboratory Services, Illumina
Classification: Uncertain significance for Inherited obesity. Last evaluated: 2018-01-13. Review status: criteria provided, single submitter. Criteria: ICSL Variant Classification Criteria 13 December 2019. Collection method: clinical testing. Allele origin: germline.

Genetic Services Laboratory, University of Chicago
Classification: Likely benign. Last evaluated: 2016-07-20. Review status: criteria provided, single submitter. Criteria: ACMG Guidelines, 2015. Collection method: clinical testing. Allele origin: germline. Affected: no.